The following is an entry in ClinVar:

NM_000090.4(COL3A1):c.4295G>A (p.Arg1432Gln)

Gene: COL3A1 (collagen type III alpha 1 chain; plus strand). Cytogenetic location: 2q32.2.
Variant type: single nucleotide variant.
Coding change: c.4295G>A on transcript NM_000090.4 (MANE Select); coding-DNA position 4295, G replaced by A.
Protein change: p.Arg1432Gln; replaces arginine 1432 with glutamine.
Molecular consequence: missense variant.
Genome position (GRCh38, 1-based): chr2:189,011,668, G>A. VCF-style: chr2-189011668-G-A. GRCh37 (hg19) VCF-style: chr2-189876394-G-A.
Other names: short protein forms R1432Q.
Identifiers: ClinVar variation 925373 (VCV000925373.11), dbSNP rs772428340, ClinGen allele CA076554.

ClinVar aggregate classification (germline): Conflicting classifications of pathogenicity. Review status: criteria provided, conflicting classifications (1 of 4 stars). 4 submissions from 4 submitters: Uncertain significance (3); Likely benign (1). Last evaluated 2025-05-11.

Conditions:
Familial thoracic aortic aneurysm and aortic dissection (TAAD). Also called: Thoracic aortic aneurysms and dissections. Identifiers: Orphanet 91387, MedGen C4707243, MONDO:0019625.
Ehlers-Danlos syndrome, type 4 (EDSVASC). Also called: Ehlers-Danlos syndrome vascular type; Ehlers Danlos syndrome, ecchymotic type; Ehlers Danlos syndrome, arterial type; Ehlers Danlos syndrome, Sack-Barabas type; Ehlers-Danlos Syndrome Type IV. Identifiers: Orphanet 286, MedGen C0268338, MONDO:0017314, OMIM 130050.

Allele frequency attached by ClinVar (database versions not stated): TOPMed 0.00001.
gnomAD v4.1: 9 of 1,613,868 alleles (0.00056%); highest among the groups gnomAD compares: East Asian, 0.0022%; no homozygotes.

Submissions (4):

Labcorp Genetics (formerly Invitae), Labcorp
Classification: Uncertain significance for Ehlers-Danlos syndrome, type 4. Last evaluated: 2025-05-11. Review status: criteria provided, single submitter. Criteria: Invitae Variant Classification Sherloc (09022015). Collection method: clinical testing. Allele origin: germline.
Comment: This sequence change replaces arginine, which is basic and polar, with glutamine, which is neutral and polar, at codon 1432 of the COL3A1 protein (p.Arg1432Gln). This variant is present in population databases (rs772428340, gnomAD 0.003%). This missense change has been observed in individual(s) with thoracic aortic aneurysm and dissection (PMID: 36517271). ClinVar contains an entry for this variant (Variation ID: 925373). Invitae Evidence Modeling of protein sequence and biophysical properties (such as structural, functional, and spatial information, amino acid conservation, physicochemical variation, residue mobility, and thermodynamic stability) indicates that this missense variant is not expected to disrupt COL3A1 protein function with a negative predictive value of 95%. In summary, the available evidence is currently insufficient to determine the role of this variant in disease. Therefore, it has been classified as a Variant of Uncertain Significance.

Blueprint Genetics
Classification: Likely benign. Last evaluated: 2023-10-03. Review status: criteria provided, single submitter. Criteria: ACMG Guidelines, 2015. Collection method: clinical testing. Allele origin: germline.

All of Us Research Program, National Institutes of Health
Classification: Uncertain significance for Ehlers-Danlos syndrome, type 4. Last evaluated: 2023-05-16. Review status: criteria provided, single submitter. Criteria: ACMG Guidelines, 2015. Collection method: clinical testing. Allele origin: germline. Inheritance: Autosomal dominant inheritance. Observed: 1 variant allele, 1 heterozygote.
Comment: This missense variant replaces arginine with glutamine at codon 1432 of the COL3A1 protein. Computational prediction tools and conservation analyses are inconclusive regarding the impact of this variant on protein structure and function. Splice site prediction tools suggest that this variant may not impact RNA splicing. To our knowledge, functional studies have not been performed for this variant. This variant has not been reported in individuals affected with cardiovascular disorders in the literature. This variant has been identified in 2/251334 chromosomes in the general population by the Genome Aggregation Database (gnomAD). The available evidence is insufficient to determine the role of this variant in disease conclusively. Therefore, this variant is classified as a Variant of Uncertain Significance.

This study involves interpretation of variants in research participants for the purpose of population health screening. Participant phenotype was not available at the time of variant classification. Additional details can be found in publication PMID: 35346344, PMCID: PMC8962531

Color Diagnostics, LLC DBA Color Health
Classification: Uncertain significance for Familial thoracic aortic aneurysm and aortic dissection. Last evaluated: 2023-04-27. Review status: criteria provided, single submitter. Criteria: ACMG Guidelines, 2015. Collection method: clinical testing. Allele origin: germline.
Comment: This missense variant replaces arginine with glutamine at codon 1432 of the COL3A1 protein. Computational prediction suggests that this variant may not impact protein structure and function (internally defined REVEL score threshold <= 0.5, PMID: 27666373). To our knowledge, functional studies have not been reported for this variant. This variant has not been reported in individuals affected with COL3A1-related disorders in the literature. This variant has been identified in 2/251334 chromosomes in the general population by the Genome Aggregation Database (gnomAD). The available evidence is insufficient to determine the role of this variant in disease conclusively. Therefore, this variant is classified as a Variant of Uncertain Significance.

Literature cited by the submitters: PubMed 36517271 (cited by Labcorp Genetics (formerly Invitae), Labcorp).